The following is an entry in ClinVar:

ClinVar aggregate classification (germline): Uncertain significance. Review status: criteria provided, multiple submitters, no conflicts (2 of 4 stars). 2 submissions from 2 submitters: Uncertain significance (2). Last evaluated 2023-11-19.

Conditions:
Familial sleep-related hypermotor epilepsy. Also called: Autosomal Dominant Sleep-Related Hypermotor (Hyperkinetic) Epilepsy. Identifiers: Orphanet 98784, MedGen C3696898, MONDO:0000030.

Submissions (2):

Labcorp Genetics (formerly Invitae), Labcorp
Classification: Uncertain significance. Last evaluated: 2023-11-19. Review status: criteria provided, single submitter. Criteria: Invitae Variant Classification Sherloc (09022015). Collection method: clinical testing. Allele origin: germline.
Comment: This sequence change replaces threonine, which is neutral and polar, with arginine, which is basic and polar, at codon 225 of the CHRNB2 protein (p.Thr225Arg). This variant is not present in population databases (gnomAD no frequency). This variant has not been reported in the literature in individuals affected with CHRNB2-related conditions. ClinVar contains an entry for this variant (Variation ID: 1690537). Advanced modeling of protein sequence and biophysical properties (such as structural, functional, and spatial information, amino acid conservation, physicochemical variation, residue mobility, and thermodynamic stability) performed at Invitae indicates that this missense variant is not expected to disrupt CHRNB2 protein function with a negative predictive value of 80%. In summary, the available evidence is currently insufficient to determine the role of this variant in disease. Therefore, it has been classified as a Variant of Uncertain Significance.

Laboratorio de Genetica e Diagnostico Molecular, Hospital Israelita Albert Einstein
Classification: Uncertain significance. Last evaluated: 2022-01-12. Review status: criteria provided, single submitter. Criteria: ACMG Guidelines, 2015. Collection method: clinical testing. Allele origin: germline. Affected: yes.
Comment: ACMG classification criteria: PM2, PP3

NM_000748.3(CHRNB2):c.674C>G (p.Thr225Arg)

Gene: CHRNB2 (cholinergic receptor nicotinic beta 2 subunit; plus strand). Cytogenetic location: 1q21.3.
Variant type: single nucleotide variant.
Coding change: c.674C>G on transcript NM_000748.3 (MANE Select); coding-DNA position 674, C replaced by G.
Protein change: p.Thr225Arg; replaces threonine 225 with arginine.
Molecular consequence: missense variant.
Genome position (GRCh38, 1-based): chr1:154,571,497, C>G. VCF-style: chr1-154571497-C-G. GRCh37 (hg19) VCF-style: chr1-154543973-C-G.
Other names: short protein forms T225R.
Identifiers: ClinVar variation 1690537 (VCV001690537.5), dbSNP rs201952018, ClinGen allele CA342630595.
Genomic context (GRCh38, chr1:154,571,497, plus strand): 5'-TCGTGGCGCTGCCGGGCCGGCGCAACGAGAACCCCGACGACTCTACGTACGTGGACATCA[C>G]GTATGACTTCATCATTCGCCGCAAGCCGCTCTTCTACACCATCAACCTCATCATCCCCTG-3'
Protein context (NP_000739.1, residues 215-235): NPDDSTYVDI[Thr225Arg]YDFIIRRKPL